The following is an entry in ClinVar:

NM_005228.5(EGFR):c.222T>C (p.Tyr74=)

Gene: EGFR (epidermal growth factor receptor; plus strand). Cytogenetic location: 7p11.2.
Variant type: single nucleotide variant.
Coding change: c.222T>C on transcript NM_005228.5 (MANE Select); coding-DNA position 222, T replaced by C.
Protein change: p.Tyr74=; no amino-acid change (tyrosine 74 retained).
Molecular consequence: synonymous variant. On other transcripts: intron variant (1).
Genome position (GRCh38, 1-based): chr7:55,142,419, T>C. VCF-style: chr7-55142419-T-C. GRCh37 (hg19) VCF-style: chr7-55210112-T-C.
Other names: c.222T>C (NM_005228.4, NM_005228.3); c.63T>C, p.Tyr21= (NM_001346900.2); c.222T>C, p.Tyr74= (NM_201282.2, NM_201283.2, NM_201284.2 and 3 more transcripts); c.89-13411T>C (NM_001346941.2).
Identifiers: ClinVar variation 1167904 (VCV001167904.11), dbSNP rs200383389, ClinGen allele CA4265150.

ClinVar aggregate classification (germline): Benign/Likely benign. Review status: criteria provided, multiple submitters, no conflicts (2 of 4 stars). 3 submissions from 3 submitters: Benign (1); Likely benign (2). Last evaluated 2026-02-02.

Conditions:
EGFR-related lung cancer (EGFR). Identifiers: MedGen CN130014.
EGFR-related disorder. Also called: EGFR-related condition.
Hereditary cancer-predisposing syndrome. Also called: Hereditary neoplastic syndrome; Hereditary Cancer Syndrome; Tumor predisposition; Neoplastic Syndromes, Hereditary. Identifiers: Orphanet 140162, MedGen C0027672, MeSH D009386, MONDO:0015356.

Allele frequency attached by ClinVar (database versions not stated): gnomAD 0.00004 and 0.00008; gnomAD exomes 0.00005 and 0.00015; TOPMed 0.00014; 1000 Genomes Project 30x 0.00016; 1000 Genomes Project 0.00020; ExAC 0.00021.
gnomAD v4.1: 86 of 1,614,190 alleles (0.0053%); highest among the groups gnomAD compares: East Asian, 0.12%; no homozygotes.

Submissions (3):

Labcorp Genetics (formerly Invitae), Labcorp
Classification: Benign for EGFR-related lung cancer. Last evaluated: 2026-02-02. Review status: criteria provided, single submitter. Criteria: Invitae Variant Classification Sherloc (09022015). Collection method: clinical testing. Allele origin: germline.

PreventionGenetics, part of Exact Sciences
Classification: Likely benign for EGFR-related condition. Last evaluated: 2024-12-20. Review status: criteria provided, single submitter. Criteria: ACMG Guidelines, 2015. Collection method: clinical testing. Allele origin: germline.
Comment: This variant is classified as likely benign based on ACMG/AMP sequence variant interpretation guidelines (Richards et al. 2015 PMID: 25741868, with internal and published modifications).

Ambry Genetics
Classification: Likely benign for Hereditary cancer-predisposing syndrome. Last evaluated: 2024-08-21. Review status: criteria provided, single submitter. Criteria: Ambry Variant Classification Scheme 2023. Collection method: clinical testing. Allele origin: germline.